The following is an entry in ClinVar:

ClinVar aggregate classification (germline): Uncertain significance (1 of 4 stars; one submission).

Conditions:
Distal hereditary motor neuropathy type 2. Identifiers: Orphanet 139525, MedGen C3711384, MeSH C580044, MONDO:0015352.

gnomAD v4.1: 1 of 1,609,408 alleles (0.000062%); highest among the groups gnomAD compares: Non-Finnish European, 0.000085%; no homozygotes.

Submission:

Labcorp Genetics (formerly Invitae), Labcorp
Classification: Uncertain significance for Distal hereditary motor neuropathy type 2. Last evaluated: 2024-10-16. Review status: criteria provided, single submitter. Criteria: Invitae Variant Classification Sherloc (09022015). Collection method: clinical testing. Allele origin: germline.
Comment: This sequence change replaces asparagine, which is neutral and polar, with aspartic acid, which is acidic and polar, at codon 140 of the FBXO38 protein (p.Asn140Asp). This variant is not present in population databases (gnomAD no frequency). This variant has not been reported in the literature in individuals affected with FBXO38-related conditions. Invitae Evidence Modeling of protein sequence and biophysical properties (such as structural, functional, and spatial information, amino acid conservation, physicochemical variation, residue mobility, and thermodynamic stability) has been performed for this missense variant. However, the output from this modeling did not meet the statistical confidence thresholds required to predict the impact of this variant on FBXO38 protein function. In summary, the available evidence is currently insufficient to determine the role of this variant in disease. Therefore, it has been classified as a Variant of Uncertain Significance.

NM_205836.3(FBXO38):c.418A>G (p.Asn140Asp)

Gene: FBXO38 (F-box protein 38; plus strand). Cytogenetic location: 5q32.
Variant type: single nucleotide variant.
Coding change: c.418A>G on transcript NM_205836.3 (MANE Select); coding-DNA position 418, A replaced by G.
Protein change: p.Asn140Asp; replaces asparagine 140 with aspartic acid.
Molecular consequence: missense variant.
Genome position (GRCh38, 1-based): chr5:148,402,137, A>G. VCF-style: chr5-148402137-A-G. GRCh37 (hg19) VCF-style: chr5-147781700-A-G.
Other names: c.418A>G, p.Asn140Asp (NM_001271723.2, NM_030793.5); short protein forms N140D.
Identifiers: ClinVar variation 3692575 (VCV003692575.2).